The following is an entry in ClinVar:

ClinVar aggregate classification (germline): Likely benign. Review status: criteria provided, multiple submitters, no conflicts (2 of 4 stars). 2 submissions from 2 submitters: Likely benign (2). Last evaluated 2024-06-03.

Conditions:
GLUT1 deficiency syndrome 1, autosomal recessive. Identifiers: MedGen C3149117.

Submissions (2):

Labcorp Genetics (formerly Invitae), Labcorp
Classification: Likely benign for GLUT1 deficiency syndrome 1, autosomal recessive. Last evaluated: 2024-06-03. Review status: criteria provided, single submitter. Criteria: Invitae Variant Classification Sherloc (09022015). Collection method: clinical testing. Allele origin: germline.

GeneDx
Classification: Likely benign. Last evaluated: 2016-12-05. Review status: criteria provided, single submitter. Criteria: GeneDx Variant Classification (06012015). Collection method: clinical testing. Allele origin: germline. Affected: yes.
Comment: This variant is considered likely benign or benign based on one or more of the following criteria: it is a conservative change, it occurs at a poorly conserved position in the protein, it is predicted to be benign by multiple in silico algorithms, and/or has population frequency not consistent with disease.

NM_006516.4(SLC2A1):c.1074+13G>A

Gene: SLC2A1 (solute carrier family 2 member 1; minus strand). Cytogenetic location: 1p34.2.
Variant type: single nucleotide variant.
Coding change: c.1074+13G>A on transcript NM_006516.4 (MANE Select); 13 bases into the intron after coding-DNA position 1074, G replaced by A.
Molecular consequence: intron variant.
Genome position (GRCh38, 1-based): chr1:42,928,919, C>T on the plus strand (G>A on the coding strand, the complement: SLC2A1 is on the minus strand). VCF-style: chr1-42928919-C-T. GRCh37 (hg19) VCF-style: chr1-43394590-C-T.
Identifiers: ClinVar variation 391459 (VCV000391459.3), dbSNP rs1057524090, ClinGen allele CA16603689.